The following is an entry in ClinVar:

NM_018192.4(P3H2):c.575G>C (p.Arg192Thr)

Gene: P3H2 (prolyl 3-hydroxylase 2; minus strand). Cytogenetic location: 3q28.
Variant type: single nucleotide variant.
Coding change: c.575G>C on transcript NM_018192.4 (MANE Select); coding-DNA position 575, G replaced by C.
Protein change: p.Arg192Thr; replaces arginine 192 with threonine.
Molecular consequence: missense variant.
Genome position (GRCh38, 1-based): chr3:189,995,348, C>G on the plus strand (G>C on the coding strand, the complement: P3H2 is on the minus strand). VCF-style: chr3-189995348-C-G. GRCh37 (hg19) VCF-style: chr3-189713137-C-G.
Other names: c.32G>C, p.Arg11Thr (NM_001134418.2); short protein forms R11T, R192T.
Identifiers: ClinVar variation 1719103 (VCV001719103.5), dbSNP rs2108924743, ClinGen allele CA355759807.

ClinVar aggregate classification (germline): Uncertain significance (1 of 4 stars; one submission).

gnomAD v4.1: 1 of 1,614,080 alleles (0.000062%); highest among the groups gnomAD compares: Non-Finnish European, 0.000085%; no homozygotes.

Submission:

Labcorp Genetics (formerly Invitae), Labcorp
Classification: Uncertain significance. Last evaluated: 2022-09-09. Review status: criteria provided, single submitter. Criteria: Invitae Variant Classification Sherloc (09022015). Collection method: clinical testing. Allele origin: germline.
Comment: This variant has not been reported in the literature in individuals affected with P3H2-related conditions. This sequence change replaces arginine, which is basic and polar, with threonine, which is neutral and polar, at codon 192 of the P3H2 protein (p.Arg192Thr). This variant is not present in population databases (gnomAD no frequency). Advanced modeling of protein sequence and biophysical properties (such as structural, functional, and spatial information, amino acid conservation, physicochemical variation, residue mobility, and thermodynamic stability) performed at Invitae indicates that this missense variant is not expected to disrupt P3H2 protein function. In summary, the available evidence is currently insufficient to determine the role of this variant in disease. Therefore, it has been classified as a Variant of Uncertain Significance.